The following is an entry in ClinVar:

ClinVar aggregate classification (germline): Uncertain significance (1 of 4 stars; one submission).

Conditions:
MYH2-related disorder. Also called: MYH2-related condition.

Submission:

PreventionGenetics, part of Exact Sciences
Classification: Uncertain significance for MYH2-related condition. Last evaluated: 2023-03-27. Review status: criteria provided, single submitter. Criteria: ACMG Guidelines, 2015. Collection method: clinical testing. Allele origin: germline.
Comment: The MYH2 c.5464G>A variant is predicted to result in the amino acid substitution p.Glu1822Lys. To our knowledge, this variant has not been reported in the literature or in a large population database, indicating this variant is rare. At this time, the clinical significance of this variant is uncertain due to the absence of conclusive functional and genetic evidence.

NM_017534.6(MYH2):c.5464G>A (p.Glu1822Lys)

Genes: MYH2 (myosin heavy chain 2; minus strand), MYHAS (myosin heavy chain gene cluster antisense RNA; plus strand). Cytogenetic location: 17p13.1.
Variant type: single nucleotide variant.
Coding change: c.5464G>A on transcript NM_017534.6 (MANE Select); coding-DNA position 5464, G replaced by A.
Protein change: p.Glu1822Lys; replaces glutamic acid 1822 with lysine.
Molecular consequence: missense variant.
Genome position (GRCh38, 1-based): chr17:10,523,504, C>T on the plus strand (G>A on the coding strand, the complement: MYH2 is on the minus strand). VCF-style: chr17-10523504-C-T. GRCh37 (hg19) VCF-style: chr17-10426821-C-T.
Other names: c.5464G>A, p.Glu1822Lys (NM_001100112.2); short protein forms E1822K.
Identifiers: ClinVar variation 2633810 (VCV002633810.1), dbSNP rs2508408519, ClinGen allele CA398115608.